The following is an entry in ClinVar:

NM_000051.4(ATM):c.1429A>T (p.Lys477Ter)

Gene: ATM (ATM serine/threonine kinase; plus strand). Cytogenetic location: 11q22.3.
Variant type: single nucleotide variant.
Coding change: c.1429A>T on transcript NM_000051.4 (MANE Select); coding-DNA position 1429, A replaced by T.
Protein change: p.Lys477Ter; replaces lysine 477 with a stop codon.
Molecular consequence: nonsense.
Genome position (GRCh38, 1-based): chr11:108,250,894, A>T. VCF-style: chr11-108250894-A-T. GRCh37 (hg19) VCF-style: chr11-108121621-A-T.
Other names: c.1429A>T, p.Lys477Ter (NM_001351834.2); short protein forms K477*.
Identifiers: ClinVar variation 4865485 (VCV004865485.1).

ClinVar aggregate classification (germline): Pathogenic (1 of 4 stars; one submission).

Conditions:
Hereditary cancer-predisposing syndrome. Also called: Neoplastic Syndromes, Hereditary; Tumor predisposition; Hereditary Cancer Syndrome; Hereditary neoplastic syndrome. Identifiers: Orphanet 140162, MedGen C0027672, MeSH D009386, MONDO:0015356.

Submission:

Ambry Genetics
Classification: Pathogenic for Hereditary cancer-predisposing syndrome. Last evaluated: 2026-05-12. Review status: criteria provided, single submitter. Criteria: Ambry Variant Classification Scheme 2023. Collection method: clinical testing. Allele origin: germline.
Comment: The p.K477* pathogenic mutation (also known as c.1429A>T), located in coding exon 9 of the ATM gene, results from an A to T substitution at nucleotide position 1429. This changes the amino acid from a lysine to a stop codon within coding exon 9. This variant is considered to be rare based on population cohorts in the Genome Aggregation Database (gnomAD). This alteration is expected to result in loss of function by premature protein truncation or nonsense-mediated mRNA decay. As such, this alteration is interpreted as a disease-causing mutation.